The following is an entry in ClinVar:

ClinVar aggregate classification (germline): Uncertain significance (1 of 4 stars; one submission).

Allele frequency attached by ClinVar (database versions not stated): gnomAD exomes below 0.00001.
gnomAD v4.1: 2 of 1,613,616 alleles (0.00012%); highest among the groups gnomAD compares: Non-Finnish European, 0.00017%; no homozygotes.

Submission:

GeneDx
Classification: Uncertain significance. Last evaluated: 2022-12-12. Review status: criteria provided, single submitter. Criteria: GeneDx Variant Classification Process June 2021. Collection method: clinical testing. Allele origin: germline. Affected: yes.
Comment: Has not been previously published as pathogenic or benign to our knowledge; Not observed at significant frequency in large population cohorts (gnomAD); In silico analysis supports that this missense variant does not alter protein structure/function, but suggests this variant may impact gene splicing; in the absence of RNA/functional studies, the actual effect of this sequence change is unknown

NM_000094.4(COL7A1):c.3103G>A (p.Val1035Met)

Gene: COL7A1 (collagen type VII alpha 1 chain; minus strand). Cytogenetic location: 3p21.31.
Variant type: single nucleotide variant.
Coding change: c.3103G>A on transcript NM_000094.4 (MANE Select); coding-DNA position 3103, G replaced by A.
Protein change: p.Val1035Met; replaces valine 1035 with methionine.
Molecular consequence: missense variant.
Genome position (GRCh38, 1-based): chr3:48,587,226, C>T on the plus strand (G>A on the coding strand, the complement: COL7A1 is on the minus strand). VCF-style: chr3-48587226-C-T. GRCh37 (hg19) VCF-style: chr3-48624659-C-T.
Other names: short protein forms V1035M.
Identifiers: ClinVar variation 2504778 (VCV002504778.1), dbSNP rs2531227507, ClinGen allele CA352712226.
Genomic context (GRCh38, chr3:48,587,226, plus strand): 5'-CCCTTCCCACTACGCCCACTATACCTGGCGTCTGTGTGACAGATGCCTCAGGACCCCGCA[C>T]ACCATCCAGGACAGGCGTCAGGGAGAAGATGTAAGAGACGCCAGGCTCTAGCCCTGTCAC-3'
Protein context (NP_000085.1, residues 1025-1045): IFSLTPVLDG[Val1035Met]RGPEASVTQT